The following is an entry in ClinVar:

NM_000370.3(TTPA):c.101G>A (p.Arg34Gln)

Gene: TTPA (alpha tocopherol transfer protein; minus strand). Cytogenetic location: 8q12.3.
Variant type: single nucleotide variant.
Coding change: c.101G>A on transcript NM_000370.3 (MANE Select); coding-DNA position 101, G replaced by A.
Protein change: p.Arg34Gln; replaces arginine 34 with glutamine.
Molecular consequence: missense variant. On other transcripts: non-coding transcript variant (3).
Genome position (GRCh38, 1-based): chr8:63,085,921, C>T on the plus strand (G>A on the coding strand, the complement: TTPA is on the minus strand). VCF-style: chr8-63085921-C-T. GRCh37 (hg19) VCF-style: chr8-63998480-C-T.
Other names: c.101G>A, p.Arg34Gln (NM_001413414.1, NM_001413415.1, NM_001413416.1 and 2 more transcripts); short protein forms R34Q.
Identifiers: ClinVar variation 2684100 (VCV002684100.1), dbSNP rs1257468121, ClinGen allele CA371403549.

ClinVar aggregate classification (germline): Uncertain significance (1 of 4 stars; one submission).

Allele frequency attached by ClinVar (database versions not stated): gnomAD 0.00001; gnomAD exomes 0.00001; TOPMed 0.00001.
gnomAD v4.1: 5 of 1,523,294 alleles (0.00033%); highest among the groups gnomAD compares: Admixed American, 0.002%; no homozygotes.

Submission:

Athena Diagnostics
Classification: Uncertain significance. Last evaluated: 2022-09-27. Review status: criteria provided, single submitter. Criteria: Athena Diagnostics Criteria. Collection method: clinical testing. Allele origin: unknown.
Comment: Available data are insufficient to determine the clinical significance of the variant at this time. The frequency of this variant in the general population is uninformative in assessment of its pathogenicity. Computational tools disagree on the variant's effect on normal protein function.